The following is an entry in ClinVar:

NM_001347721.2(DYRK1A):c.972dup (p.Leu325fs)

Gene: DYRK1A (dual specificity tyrosine phosphorylation regulated kinase 1A; plus strand). Cytogenetic location: 21q22.13.
Variant type: Duplication.
Coding change: c.972dup on transcript NM_001347721.2 (MANE Select); coding-DNA position 972, one base duplicated (A; older notation c.972dupA).
Protein change: p.Leu325fs; shifts the reading frame from leucine 325.
Molecular consequence: frameshift variant.
Genome position (GRCh38, 1-based): chr21:37,493,064, A duplicated. VCF-style (leftmost placement, unchanged base first): chr21-37493063-T-TA. GRCh37 (hg19) VCF-style: chr21-38865365-T-TA.
Other names: c.972dup, p.Leu325fs (NM_001347722.2, NM_130436.2); c.885dup, p.Leu296fs (NM_001347723.2); c.999dup, p.Leu334fs (NM_001396.5, NM_101395.2, NM_130438.2); short protein forms L296fs, L334fs, L325fs.
Identifiers: ClinVar variation 3506141 (VCV003506141.1).

ClinVar aggregate classification (germline): Pathogenic (1 of 4 stars; one submission).

Conditions:
Inborn genetic diseases. Identifiers: MedGen C0950123, MeSH D030342.

Submission:

Ambry Genetics
Classification: Pathogenic for Inborn genetic diseases. Last evaluated: 2024-11-07. Review status: criteria provided, single submitter. Criteria: Ambry Variant Classification Scheme 2023. Collection method: clinical testing. Allele origin: germline.
Comment: The c.999dupA (p.L334Tfs*6) alteration, located in exon 7 (coding exon 7) of the DYRK1A gene, consists of a duplication of A at position 999, causing a translational frameshift with a predicted alternate stop codon after 6 amino acids. This alteration is expected to result in loss of function by premature protein truncation or nonsense-mediated mRNA decay. This variant was not reported in population-based cohorts in the Genome Aggregation Database (gnomAD). Based on the available evidence, this alteration is classified as pathogenic.